The following is an entry in ClinVar:

NM_001395159.1(UNC79):c.23-1G>T

Gene: UNC79 (unc-79 homolog, NALCN channel complex subunit; plus strand). Cytogenetic location: 14q32.12.
Variant type: single nucleotide variant.
Coding change: c.23-1G>T on transcript NM_001395159.1 (MANE Select); the canonical splice acceptor site of the intron before coding-DNA position 23, G replaced by T.
Molecular consequence: splice acceptor variant.
Genome position (GRCh38, 1-based): chr14:93,467,670, G>T. VCF-style: chr14-93467670-G-T. GRCh37 (hg19) VCF-style: chr14-93934016-G-T.
Other names: c.-350-1G>T (NM_020818.5); c.23-1G>T (NM_001346218.2).
Identifiers: ClinVar variation 3046578 (VCV003046578.2), dbSNP rs745801030, ClinGen allele CA7321144.

ClinVar aggregate classification (germline): Likely benign (0 of 4 stars; one submission).

Conditions:
UNC79-related disorder. Also called: UNC79-related condition.

Allele frequency attached by ClinVar (database versions not stated): ExAC 0.20561.

Submission:

PreventionGenetics, part of Exact Sciences
Classification: Likely benign for UNC79-related condition. Last evaluated: 2024-08-09. Review status: no assertion criteria provided. Collection method: clinical testing. Allele origin: germline.
Comment: This variant is classified as likely benign based on ACMG/AMP sequence variant interpretation guidelines (Richards et al. 2015 PMID: 25741868, with internal and published modifications).